The following is an entry in ClinVar:

NM_002473.6(MYH9):c.3195_3215dup (p.Gln1068_Leu1074dup)

Gene: MYH9 (myosin heavy chain 9; minus strand). Cytogenetic location: 22q12.3.
Variant type: Duplication.
Coding change: c.3195_3215dup on transcript NM_002473.6 (MANE Select); coding-DNA positions 3195 to 3215, 21 bases duplicated (CGAGCTCCAGGCCCAGATCGC).
Protein change: p.Gln1068_Leu1074dup.
Molecular consequence: inframe insertion.
Genome position (GRCh38, 1-based): chr22:36,296,900-36,296,920, GCGATCTGGGCCTGGAGCTCG duplicated on the plus strand (CGAGCTCCAGGCCCAGATCGC on the coding strand, the reverse complement: MYH9 is on the minus strand); duplicating any 21 consecutive bases within chr22:36,296,900-36,296,929 gives the same sequence; the c. name uses the placement nearest the transcript's 3' end. VCF-style (leftmost placement, unchanged base first): chr22-36296899-C-CGCGATCTGGGCCTGGAGCTCG. GRCh37 (hg19) VCF-style: chr22-36692945-C-CGCGATCTGGGCCTGGAGCTCG.
Identifiers: ClinVar variation 14085 (VCV000014085.2), dbSNP rs876661302, ClinGen allele CA10575522.

ClinVar aggregate classification (germline): Pathogenic. Review status: criteria provided, single submitter (1 of 4 stars). 2 submissions from 2 submitters: Pathogenic (1). 1 of the submissions does not count toward it. Last evaluated 2024-01-30.

Conditions:
Macrothrombocytopenia and granulocyte inclusions with or without nephritis or sensorineural hearing loss (MATINS). Also called: BLEEDING DISORDER, PLATELET-TYPE, 6; MAY-HEGGLIN ANOMALY; SEBASTIAN PLATELET SYNDROME; MACROTHROMBOCYTOPENIA WITH DISPERSED LEUKOCYTIC INCLUSIONS; MACROTHROMBOCYTOPENIA, NEPHRITIS, AND DEAFNESS; MACROTHROMBOCYTOPENIA, NEPHRITIS, DEAFNESS, AND LEUKOCYTE INCLUSIONS. Identifiers: Orphanet 182050, MedGen C5200934, MONDO:0015912, OMIM 155100.

Submissions (2):

ARUP Laboratories, Molecular Genetics and Genomics, ARUP Laboratories
Classification: Pathogenic. Last evaluated: 2024-01-30. Review status: criteria provided, single submitter. Criteria: ARUP Molecular Germline Variant Investigation Process 2024. Collection method: clinical testing. Allele origin: germline.
Comment: The MYH9 c.3195_3215dup; p.Gln1068_Leu1074dup variant (rs876661302; ClinVar ID: 14085), also reported as E1066_A1072dup, is reported in an individual with moderate thrombocytopenia, large platelets and moderate/severe bleeding, but with no current extra-hematological symptoms (Bury 2020). This variant has also been reported to segregate with MYH9-related disease in three affected individuals of a family (De Rocco 2009). This variant duplicates seven amino acids leaving the rest of the protein in-frame. Based on available information, this variant is considered to be pathogenic. References: Bury L et al. Next-generation sequencing for the diagnosis of MYH9-RD: Predicting pathogenic variants. Hum Mutat. 2020 Jan;41(1):277-290. PMID: 31562665. De Rocco D et al. Identification of the first duplication in MYH9-related disease: a hot spot for unequal crossing-over within

OMIM
Classification: Pathogenic for MACROTHROMBOCYTOPENIA AND GRANULOCYTE INCLUSIONS. Last evaluated: 2009-07-01. Review status: no assertion criteria provided. Collection method: literature only. Allele origin: germline. Not counted in ClinVar's aggregate classification.

Literature cited by the submitters: PubMed 19450438 (cited by OMIM); PubMed 12792306 (cited by OMIM).